The following is an entry in ClinVar:

ClinVar aggregate classification (germline): Uncertain significance (1 of 4 stars; one submission).

Allele frequency attached by ClinVar (database versions not stated): gnomAD exomes below 0.00001; TOPMed below 0.00001; ExAC 0.00001.
gnomAD v4.1: 3 of 1,614,176 alleles (0.00019%); highest among the groups gnomAD compares: South Asian, 0.0011%; no homozygotes.

Submission:

Labcorp Genetics (formerly Invitae), Labcorp
Classification: Uncertain significance. Last evaluated: 2022-11-01. Review status: criteria provided, single submitter. Criteria: Invitae Variant Classification Sherloc (09022015). Collection method: clinical testing. Allele origin: germline.
Comment: In summary, the available evidence is currently insufficient to determine the role of this variant in disease. Therefore, it has been classified as a Variant of Uncertain Significance. Advanced modeling of protein sequence and biophysical properties (such as structural, functional, and spatial information, amino acid conservation, physicochemical variation, residue mobility, and thermodynamic stability) performed at Invitae indicates that this missense variant is not expected to disrupt TEAD1 protein function. This variant has not been reported in the literature in individuals affected with TEAD1-related conditions. This variant is present in population databases (rs780992270, gnomAD 0.003%). This sequence change replaces valine, which is neutral and non-polar, with isoleucine, which is neutral and non-polar, at codon 131 of the TEAD1 protein (p.Val131Ile).

NM_021961.6(TEAD1):c.391G>A (p.Val131Ile)

Gene: TEAD1 (TEA domain transcription factor 1; plus strand). Cytogenetic location: 11p15.3.
Variant type: single nucleotide variant.
Coding change: c.391G>A on transcript NM_021961.6 (MANE Select); coding-DNA position 391, G replaced by A.
Protein change: p.Val131Ile; replaces valine 131 with isoleucine.
Molecular consequence: missense variant.
Genome position (GRCh38, 1-based): chr11:12,879,768, G>A. VCF-style: chr11-12879768-G-A. GRCh37 (hg19) VCF-style: chr11-12901315-G-A.
Other names: short protein forms V131I.
Identifiers: ClinVar variation 2976009 (VCV002976009.3), dbSNP rs780992270, ClinGen allele CA5891584.